The following is an entry in ClinVar:

NM_002907.4(RECQL):c.671G>A (p.Cys224Tyr)

Gene: RECQL (RecQ like helicase; minus strand). Cytogenetic location: 12p12.1.
Variant type: single nucleotide variant.
Coding change: c.671G>A on transcript NM_002907.4 (MANE Select); coding-DNA position 671, G replaced by A.
Protein change: p.Cys224Tyr; replaces cysteine 224 with tyrosine.
Molecular consequence: missense variant.
Genome position (GRCh38, 1-based): chr12:21,483,405, C>T on the plus strand (G>A on the coding strand, the complement: RECQL is on the minus strand). VCF-style: chr12-21483405-C-T. GRCh37 (hg19) VCF-style: chr12-21636339-C-T.
Other names: c.671G>A, p.Cys224Tyr (NM_032941.3); c.671G>A (NM_002907.3); short protein forms C224Y.
Identifiers: ClinVar variation 2798803 (VCV002798803.4), dbSNP rs2137373707, ClinGen allele CA384126778.

ClinVar aggregate classification (germline): Uncertain significance. Review status: criteria provided, multiple submitters, no conflicts (2 of 4 stars). 2 submissions from 2 submitters: Uncertain significance (2). Last evaluated 2024-01-12.

Submissions (2):

Ambry Genetics
Classification: Uncertain significance. Last evaluated: 2024-01-12. Review status: criteria provided, single submitter. Criteria: Ambry Variant Classification Scheme 2023. Collection method: clinical testing. Allele origin: germline.
Comment: The p.C224Y variant (also known as c.671G>A), located in coding exon 5 of the RECQL gene, results from a G to A substitution at nucleotide position 671. The cysteine at codon 224 is replaced by tyrosine, an amino acid with highly dissimilar properties. This amino acid position is conserved. In addition, the in silico prediction for this alteration is inconclusive. Since supporting evidence is limited at this time, the clinical significance of this alteration remains unclear.

Labcorp Genetics (formerly Invitae), Labcorp
Classification: Uncertain significance. Last evaluated: 2023-02-14. Review status: criteria provided, single submitter. Criteria: Invitae Variant Classification Sherloc (09022015). Collection method: clinical testing. Allele origin: germline.
Comment: Advanced modeling of protein sequence and biophysical properties (such as structural, functional, and spatial information, amino acid conservation, physicochemical variation, residue mobility, and thermodynamic stability) performed at Invitae indicates that this missense variant is expected to disrupt RECQL protein function. In summary, the available evidence is currently insufficient to determine the role of this variant in disease. Therefore, it has been classified as a Variant of Uncertain Significance. This variant has not been reported in the literature in individuals affected with RECQL-related conditions. This variant is not present in population databases (gnomAD no frequency). This sequence change replaces cysteine, which is neutral and slightly polar, with tyrosine, which is neutral and polar, at codon 224 of the RECQL protein (p.Cys224Tyr).